The following is an entry in ClinVar:

ClinVar aggregate classification (germline): Pathogenic (1 of 4 stars; one submission).

Submission:

GeneDx
Classification: Pathogenic. Last evaluated: 2024-12-17. Review status: criteria provided, single submitter. Criteria: GeneDx Variant Classification Process June 2021. Collection method: clinical testing. Allele origin: germline. Affected: yes.
Comment: Frameshift variant predicted to result in protein truncation or nonsense mediated decay in a gene for which loss of function is a known mechanism of disease; Not observed at significant frequency in large population cohorts (gnomAD); Has not been previously published as pathogenic or benign to our knowledge

NM_000138.5(FBN1):c.3401dup (p.Ser1135fs)

Gene: FBN1 (fibrillin 1; minus strand). Cytogenetic location: 15q21.1.
Variant type: Duplication.
Coding change: c.3401dup on transcript NM_000138.5 (MANE Select); coding-DNA position 3401, one base duplicated (G; older notation c.3401dupG).
Protein change: p.Ser1135fs; shifts the reading frame from serine 1135.
Molecular consequence: frameshift variant.
Genome position (GRCh38, 1-based): chr15:48,487,374, C duplicated on the plus strand (G on the coding strand, the reverse complement: FBN1 is on the minus strand); the first of 3 consecutive C bases (chr15:48,487,374-48,487,376); duplicating any one gives the same sequence. VCF-style (leftmost placement, unchanged base first): chr15-48487373-T-TC. GRCh37 (hg19) VCF-style: chr15-48779570-T-TC.
Other names: c.3401dupG (NM_000138.4); c.3401dup (NM_000138.4); short protein forms S1135fs.
Identifiers: ClinVar variation 200205 (VCV000200205.5), dbSNP rs794728342, ClinGen allele CA304409.